The following is an entry in ClinVar:

NM_001145026.2(PTPRQ):c.1410G>A (p.Met470Ile)

Gene: PTPRQ (protein tyrosine phosphatase receptor type Q; plus strand). Cytogenetic location: 12q21.31.
Variant type: single nucleotide variant.
Coding change: c.1410G>A on transcript NM_001145026.2 (MANE Select); coding-DNA position 1410, G replaced by A.
Protein change: p.Met470Ile; replaces methionine 470 with isoleucine.
Molecular consequence: missense variant.
Genome position (GRCh38, 1-based): chr12:80,493,325, G>A. VCF-style: chr12-80493325-G-A. GRCh37 (hg19) VCF-style: chr12-80887104-G-A.
Other names: short protein forms M470I.
Identifiers: ClinVar variation 4527998 (VCV004527998.3).
Genomic context (GRCh38, chr12:80,493,325, plus strand): 5'-TTAATTACAGTATATAAATGACCCCATGGCTCCAGAAATTGTGAACATAGTAGAGCCAAT[G>A]GTAGGATTATATGAGGGTTCAGCAGAGATGTCGTCTGACCTTCACTCACTTGCTACATTT-3'
Protein context (NP_001138498.1, residues 460-480): APEIVNIVEP[Met470Ile]VGLYEGSAEM

ClinVar aggregate classification (germline): Uncertain significance. Review status: criteria provided, multiple submitters, no conflicts (2 of 4 stars). 2 submissions from 2 submitters: Uncertain significance (2). Last evaluated 2026-07-28.

gnomAD v4.1: 24 of 1,548,590 alleles (0.0015%); highest among the groups gnomAD compares: Middle Eastern, 0.017%; no homozygotes.

Submissions (2):

GeneDx
Classification: Uncertain significance. Last evaluated: 2026-07-28. Review status: criteria provided, single submitter. Criteria: GeneDx Variant Classification Process June 2021. Collection method: clinical testing. Allele origin: germline.
Comment: Not observed at significant frequency in large population cohorts (gnomAD); Has not been previously published as pathogenic or benign to our knowledge; In silico analysis suggests that this missense variant does not alter protein structure/function

Blueprint Genetics
Classification: Uncertain significance. Last evaluated: 2024-09-13. Review status: criteria provided, single submitter. Criteria: ACMG Guidelines, 2015. Collection method: clinical testing. Allele origin: germline.